The following is an entry in ClinVar:

ClinVar aggregate classification (germline): Likely benign (0 of 4 stars; one submission).

Conditions:
TBX2-related disorder. Also called: TBX2-related condition.

Allele frequency attached by ClinVar (database versions not stated): gnomAD 0.00002; gnomAD exomes 0.00004; TOPMed 0.00008; ExAC 0.00016.
gnomAD v4.1: 53 of 1,564,484 alleles (0.0034%); highest among the groups gnomAD compares: Admixed American, 0.082%; no homozygotes.

Submission:

PreventionGenetics, part of Exact Sciences
Classification: Likely benign for TBX2-related condition. Last evaluated: 2022-09-01. Review status: no assertion criteria provided. Collection method: clinical testing. Allele origin: germline.
Comment: This variant is classified as likely benign based on ACMG/AMP sequence variant interpretation guidelines (Richards et al. 2015 PMID: 25741868, with internal and published modifications).

NM_005994.4(TBX2):c.991C>T (p.Arg331Trp)

Gene: TBX2 (T-box transcription factor 2; plus strand). Cytogenetic location: 17q23.2.
Variant type: single nucleotide variant.
Coding change: c.991C>T on transcript NM_005994.4 (MANE Select); coding-DNA position 991, C replaced by T.
Protein change: p.Arg331Trp; replaces arginine 331 with tryptophan.
Molecular consequence: missense variant.
Genome position (GRCh38, 1-based): chr17:61,404,709, C>T. VCF-style: chr17-61404709-C-T. GRCh37 (hg19) VCF-style: chr17-59482070-C-T.
Other names: short protein forms R331W.
Identifiers: ClinVar variation 3053587 (VCV003053587.2), dbSNP rs770492149, ClinGen allele CA8689266.